The following is an entry in ClinVar:

NM_002432.3(MNDA):c.1036G>A (p.Gly346Arg)

Gene: MNDA (myeloid cell nuclear differentiation antigen; plus strand). Cytogenetic location: 1q23.1.
Variant type: single nucleotide variant.
Coding change: c.1036G>A on transcript NM_002432.3 (MANE Select); coding-DNA position 1036, G replaced by A.
Protein change: p.Gly346Arg; replaces glycine 346 with arginine.
Molecular consequence: missense variant.
Genome position (GRCh38, 1-based): chr1:158,847,776, G>A. VCF-style: chr1-158847776-G-A. GRCh37 (hg19) VCF-style: chr1-158817566-G-A.
Other names: short protein forms G346R.
Identifiers: ClinVar variation 2496894 (VCV002496894.2), dbSNP rs1571661879, ClinGen allele CA343043886.

ClinVar aggregate classification (germline): Uncertain significance (1 of 4 stars; one submission).

Submission:

Ambry Genetics
Classification: Uncertain significance. Last evaluated: 2023-02-23. Review status: criteria provided, single submitter. Criteria: Ambry Variant Classification Scheme 2023. Collection method: clinical testing. Allele origin: germline.
Comment: The p.G346R variant (also known as c.1036G>A), located in coding exon 5 of the MNDA gene, results from a G to A substitution at nucleotide position 1036. The glycine at codon 346 is replaced by arginine, an amino acid with dissimilar properties. This amino acid position is conserved. In addition, the in silico prediction for this alteration is inconclusive. Since supporting evidence is limited at this time, the clinical significance of this alteration remains unclear.